The following is an entry in ClinVar:

ClinVar aggregate classification (germline): Uncertain significance (1 of 4 stars; one submission).

Allele frequency attached by ClinVar (database versions not stated): gnomAD 0.00002 and 0.00001; TOPMed 0.00003; gnomAD exomes 0.00001.
gnomAD v4.1: 8 of 1,613,916 alleles (0.0005%); highest among the groups gnomAD compares: East Asian, 0.0022%; no homozygotes.

Submission:

Labcorp Genetics (formerly Invitae), Labcorp
Classification: Uncertain significance. Last evaluated: 2022-03-19. Review status: criteria provided, single submitter. Criteria: Invitae Variant Classification Sherloc (09022015). Collection method: clinical testing. Allele origin: germline.
Comment: In summary, the available evidence is currently insufficient to determine the role of this variant in disease. Therefore, it has been classified as a Variant of Uncertain Significance. This sequence change replaces methionine, which is neutral and non-polar, with threonine, which is neutral and polar, at codon 2175 of the MTOR protein (p.Met2175Thr). This variant is present in population databases (no rsID available, gnomAD 0.006%). This variant has not been reported in the literature in individuals affected with MTOR-related conditions. ClinVar contains an entry for this variant (Variation ID: 836769). Algorithms developed to predict the effect of missense changes on protein structure and function (SIFT, PolyPhen-2, Align-GVGD) all suggest that this variant is likely to be tolerated.

NM_004958.4(MTOR):c.6524T>C (p.Met2175Thr)

Gene: MTOR (mechanistic target of rapamycin kinase; minus strand). Cytogenetic location: 1p36.22.
Variant type: single nucleotide variant.
Coding change: c.6524T>C on transcript NM_004958.4 (MANE Select); coding-DNA position 6524, T replaced by C.
Protein change: p.Met2175Thr; replaces methionine 2175 with threonine.
Molecular consequence: missense variant.
Genome position (GRCh38, 1-based): chr1:11,126,624, A>G on the plus strand (T>C on the coding strand, the complement: MTOR is on the minus strand). VCF-style: chr1-11126624-A-G. GRCh37 (hg19) VCF-style: chr1-11186681-A-G.
Other names: short protein forms M2175T.
Identifiers: ClinVar variation 836769 (VCV000836769.9), dbSNP rs1024737469, ClinGen allele CA17940473.